The following is an entry in ClinVar:

NM_020754.4(ARHGAP31):c.461C>T (p.Ala154Val)

Gene: ARHGAP31 (Rho GTPase activating protein 31; plus strand). Cytogenetic location: 3q13.33.
Variant type: single nucleotide variant.
Coding change: c.461C>T on transcript NM_020754.4 (MANE Select); coding-DNA position 461, C replaced by T.
Protein change: p.Ala154Val; replaces alanine 154 with valine.
Molecular consequence: missense variant.
Genome position (GRCh38, 1-based): chr3:119,382,321, C>T. VCF-style: chr3-119382321-C-T. GRCh37 (hg19) VCF-style: chr3-119101168-C-T.
Other names: short protein forms A154V.
Identifiers: ClinVar variation 2504152 (VCV002504152.2), dbSNP rs781008921, ClinGen allele CA2553591.
Genomic context (GRCh38, chr3:119,382,321, plus strand): 5'-TCTTACTTTGTCAAAAAACAAACCATTCTAGGACCTTGGAATACCTGATTCGACACCTGG[C>T]CCATATCGCCTCCTTCAGCAGCAAGACCAACATGCACGCCCGGAACCTGGCCCTGGTGTG-3'
Protein context (NP_065805.2, residues 144-164): RTLEYLIRHL[Ala154Val]HIASFSSKTN

ClinVar aggregate classification (germline): Uncertain significance (1 of 4 stars; one submission).

Allele frequency attached by ClinVar (database versions not stated): ExAC 0.00001; gnomAD 0.00002; TOPMed 0.00002.
gnomAD v4.1: 6 of 1,614,016 alleles (0.00037%); highest among the groups gnomAD compares: African/African-American, 0.008%; no homozygotes.

Submission:

Centre of Medical Genetics, University Hospital Muenster
Classification: Uncertain significance. Last evaluated: 2023-03-30. Review status: criteria provided, single submitter. Criteria: ACMG Guidelines, 2015. Collection method: clinical testing. Allele origin: unknown. Affected: yes. Observed: 1 variant allele, 1 heterozygote.
Comment: ACMG categories: PM1,PM2